The following is an entry in ClinVar:

NM_001165963.4(SCN1A):c.5323del (p.Leu1775fs)

Genes: SCN1A (sodium voltage-gated channel alpha subunit 1; minus strand), LOC102724058 (uncharacterized LOC102724058; plus strand). Cytogenetic location: 2q24.3.
Variant type: Deletion.
Coding change: c.5323del on transcript NM_001165963.4 (MANE Select); coding-DNA position 5323, one base deleted (C; older notation c.5323delC).
Protein change: p.Leu1775fs; shifts the reading frame from leucine 1775.
Molecular consequence: frameshift variant. On other transcripts: non-coding transcript variant (1).
Genome position (GRCh38, 1-based): chr2:165,991,952, G deleted on the plus strand (C on the coding strand, the reverse complement: SCN1A is on the minus strand); the first of 2 consecutive G bases (chr2:165,991,952-165,991,953); deleting either gives the same sequence. VCF-style (leftmost placement, unchanged base first): chr2-165991951-AG-A. GRCh37 (hg19) VCF-style: chr2-166848461-AG-A.
Other names: c.5239del, p.Leu1747fs (NM_001165964.3, NM_001353957.2, NM_001353958.2); c.5323del, p.Leu1775fs (NM_001202435.3, NM_001353948.2); c.5290del, p.Leu1764fs (NM_001353949.2, NM_001353950.2, NM_001353951.2 and 2 more transcripts); c.5287del, p.Leu1763fs (NM_001353954.2, NM_001353955.2); c.5236del, p.Leu1746fs (NM_001353960.2); c.2881del, p.Leu961fs (NM_001353961.2); short protein forms L1764fs, L1775fs, L1747fs, L1763fs, L1746fs, L961fs.
Identifiers: ClinVar variation 2703042 (VCV002703042.3), dbSNP rs2468333594, ClinGen allele CA2697551210.

ClinVar aggregate classification (germline): Pathogenic (1 of 4 stars; one submission).

Conditions:
Early-infantile DEE. Also called: Ohtahara syndrome; Early infantile epileptic encephalopathy with suppression bursts; Early infantile epileptic encephalopathy. Identifiers: Orphanet 1934, MedGen C0393706, MONDO:0800491.

Submission:

Labcorp Genetics (formerly Invitae), Labcorp
Classification: Pathogenic for Early-infantile DEE. Last evaluated: 2023-12-14. Review status: criteria provided, single submitter. Criteria: Invitae Variant Classification Sherloc (09022015). Collection method: clinical testing. Allele origin: germline.
Comment: This sequence change creates a premature translational stop signal (p.Leu1775Trpfs*4) in the SCN1A gene. While this is not anticipated to result in nonsense mediated decay, it is expected to disrupt the last 235 amino acid(s) of the SCN1A protein. This variant is not present in population databases (gnomAD no frequency). This variant has not been reported in the literature in individuals affected with SCN1A-related conditions. This variant disrupts a region of the SCN1A protein in which other variant(s) (p.Gln1923Lys) have been determined to be pathogenic (Invitae). This suggests that this is a clinically significant region of the protein, and that variants that disrupt it are likely to be disease-causing. For these reasons, this variant has been classified as Pathogenic.